The following is an entry in ClinVar:

ClinVar aggregate classification (germline): Pathogenic (1 of 4 stars; one submission).

Submission:

Labcorp Genetics (formerly Invitae), Labcorp
Classification: Pathogenic. Last evaluated: 2022-10-14. Review status: criteria provided, single submitter. Criteria: Invitae Variant Classification Sherloc (09022015). Collection method: clinical testing. Allele origin: germline.
Comment: This variant is a gross deletion of the genomic region encompassing exon(s) 15 of the EYS gene. This deletion is out-of-frame, and is expected to create a premature termination codon and result in an absent or disrupted protein product. Loss-of-function variants in EYS are known to be pathogenic (PMID: 18836446, 20333770). This variant has not been reported in the literature in individuals affected with EYS-related conditions. For these reasons, this variant has been classified as Pathogenic.

Literature cited by the submitters: PubMed 18836446; PubMed 20333770.

NC_000006.12:g.(?_64945783)_(64945924_?)del

Gene: EYS (eyes shut homolog; minus strand). Cytogenetic location: 6q12.
Variant type: Deletion.
Identifiers: ClinVar variation 831763 (VCV000831763.2).